The following is an entry in ClinVar:

NM_182961.4(SYNE1):c.25051C>G (p.Gln8351Glu)

Gene: SYNE1 (spectrin repeat containing nuclear envelope protein 1; minus strand). Cytogenetic location: 6q25.2.
Variant type: single nucleotide variant.
Coding change: c.25051C>G on transcript NM_182961.4 (MANE Select); coding-DNA position 25051, C replaced by G.
Protein change: p.Gln8351Glu; replaces glutamine 8351 with glutamic acid.
Molecular consequence: missense variant.
Genome position (GRCh38, 1-based): chr6:152,143,691, G>C on the plus strand (C>G on the coding strand, the complement: SYNE1 is on the minus strand). VCF-style: chr6-152143691-G-C. GRCh37 (hg19) VCF-style: chr6-152464826-G-C.
Other names: c.1657C>G, p.Gln553Glu (NM_001347701.2); c.1585C>G, p.Gln529Glu (NM_001347702.2); c.24907C>G, p.Gln8303Glu (NM_033071.5); short protein forms Q8303E, Q8351E, Q529E, Q553E.
Identifiers: ClinVar variation 289577 (VCV000289577.8), dbSNP rs886044213, ClinGen allele CA10606487.

ClinVar aggregate classification (germline): Uncertain significance. Review status: criteria provided, multiple submitters, no conflicts (2 of 4 stars). 2 submissions from 2 submitters: Uncertain significance (2). Last evaluated 2022-06-07.

Conditions:
Autosomal recessive ataxia, Beauce type. Also called: Spinocerebellar ataxia, autosomal recessive 8; ATAXIA, RECESSIVE, OF BEAUCE; SYNE1 Deficiency; SYNE1-Related Autosomal Recessive Cerebellar Ataxia. Identifiers: Orphanet 88644, MedGen C1853116, MONDO:0012549, OMIM 610743.
Emery-Dreifuss muscular dystrophy 4, autosomal dominant (EDMD4). Also called: EMERY-DREIFUSS MUSCULAR DYSTROPHY 4 WITH VARIABLE FEATURES. Identifiers: Orphanet 261, MedGen C2751807, MONDO:0013071, OMIM 612998.

gnomAD v4.1: 9 of 1,614,198 alleles (0.00056%); highest among the groups gnomAD compares: South Asian, 0.0011%; no homozygotes.

Submissions (2):

Labcorp Genetics (formerly Invitae), Labcorp
Classification: Uncertain significance for Emery-Dreifuss muscular dystrophy 4, autosomal dominant; Autosomal recessive ataxia, Beauce type. Last evaluated: 2022-06-07. Review status: criteria provided, single submitter. Criteria: Invitae Variant Classification Sherloc (09022015). Collection method: clinical testing. Allele origin: germline.
Comment: This sequence change replaces glutamine, which is neutral and polar, with glutamic acid, which is acidic and polar, at codon 8303 of the SYNE1 protein (p.Gln8303Glu). This variant is not present in population databases (gnomAD no frequency). This variant has not been reported in the literature in individuals affected with SYNE1-related conditions. ClinVar contains an entry for this variant (Variation ID: 289577). Algorithms developed to predict the effect of missense changes on protein structure and function are either unavailable or do not agree on the potential impact of this missense change (SIFT: "Deleterious"; PolyPhen-2: "Benign"; Align-GVGD: "Class C0"). In summary, the available evidence is currently insufficient to determine the role of this variant in disease. Therefore, it has been classified as a Variant of Uncertain Significance.

Eurofins Ntd Llc (ga)
Classification: Uncertain significance. Last evaluated: 2016-07-26. Review status: criteria provided, single submitter. Criteria: EGL Classification Definitions 2015. Collection method: clinical testing. Allele origin: germline. Observed: 1 variant allele, 1 heterozygote.